The following is an entry in ClinVar:

NM_015662.3(IFT172):c.4663A>T (p.Thr1555Ser)

Genes: IFT172 (intraflagellar transport 172; minus strand), KRTCAP3 (keratinocyte associated protein 3; plus strand). Cytogenetic location: 2p23.3.
Variant type: single nucleotide variant.
Coding change: c.4663A>T on transcript NM_015662.3 (MANE Select); coding-DNA position 4663, A replaced by T.
Protein change: p.Thr1555Ser; replaces threonine 1555 with serine.
Molecular consequence: missense variant. On other transcripts: 3 prime UTR variant (1).
Genome position (GRCh38, 1-based): chr2:27,446,352, T>A on the plus strand (A>T on the coding strand, the complement: IFT172 is on the minus strand). VCF-style: chr2-27446352-T-A. GRCh37 (hg19) VCF-style: chr2-27669219-T-A.
Other names: c.*57T>A (NM_001168364.2); c.4597A>T, p.Thr1533Ser (NM_001410739.1); short protein forms T1533S, T1555S.
Identifiers: ClinVar variation 3348276 (VCV003348276.1).

ClinVar aggregate classification (germline): Uncertain significance (0 of 4 stars; one submission).

Conditions:
IFT172-related disorder. Also called: IFT172-related condition; IFT172-related disorders.

Submission:

PreventionGenetics, part of Exact Sciences
Classification: Uncertain significance for IFT172-related condition. Last evaluated: 2024-03-21. Review status: no assertion criteria provided. Collection method: clinical testing. Allele origin: germline.
Comment: The IFT172 c.4663A>T variant is predicted to result in the amino acid substitution p.Thr1555Ser. To our knowledge, this variant has not been reported in the literature or in a large population database, indicating this variant is rare. At this time, the clinical significance of this variant is uncertain due to the absence of conclusive functional and genetic evidence.